The following is an entry in ClinVar:

NM_002204.4(ITGA3):c.821G>A (p.Arg274Gln)

Gene: ITGA3 (integrin subunit alpha 3; plus strand). Cytogenetic location: 17q21.33.
Variant type: single nucleotide variant.
Coding change: c.821G>A on transcript NM_002204.4 (MANE Select); coding-DNA position 821, G replaced by A.
Protein change: p.Arg274Gln; replaces arginine 274 with glutamine.
Molecular consequence: missense variant.
Genome position (GRCh38, 1-based): chr17:50,071,380, G>A. VCF-style: chr17-50071380-G-A. GRCh37 (hg19) VCF-style: chr17-48148744-G-A.
Other names: p.Arg274Gln; short protein forms R274Q.
Identifiers: ClinVar variation 3358856 (VCV003358856.6).

ClinVar aggregate classification (germline): Likely pathogenic. Review status: criteria provided, multiple submitters, no conflicts (2 of 4 stars). 5 submissions from 5 submitters: Likely pathogenic (5). Last evaluated 2026-10-31.

Conditions:
Epidermolysis bullosa, junctional 7, with interstitial lung disease and nephrotic syndrome. Also called: Interstitial Lung Disease with Nephrotic Syndrome and Epidermolysis Bullosa; Interstitial lung disease, nephrotic syndrome, and epidermolysis bullosa, congenital. Identifiers: Orphanet 306504, MedGen C4518785, MONDO:0013881, OMIM 614748.

gnomAD v4.1: 8 of 1,614,156 alleles (0.0005%); highest among the groups gnomAD compares: South Asian, 0.0033%; no homozygotes.

Submissions (5):

Department of Molecular Genetics, Istishari Arab Hospital
Classification: Likely pathogenic for Epidermolysis bullosa, junctional 7, with interstitial lung disease and nephrotic syndrome. Last evaluated: 2026-10-31. Review status: criteria provided, single submitter. Criteria: ACMG Guidelines, 2015. Collection method: clinical testing. Allele origin: germline. Inheritance: Autosomal recessive inheritance. Affected: yes.
Comment: The ITGA3 variant c.821G>A, p.Arg274Gln creates an amino acid change from Arginine to Glutamine at position 274 in exon 6 (of 26). The variant is observed with very low frequency in the gnomAD v4.1.0 dataset. This variant was previously reported in patients with Interstitial lung disease, nephrotic syndrome, and epidermolysis bullosa (ILNEB syndrome) (PMID: 27717396). It is classified as likely pathogenic based on the implementation of ACMG/AMP/ClinGen SVI guidelines.

3billion
Classification: Likely pathogenic for Epidermolysis bullosa, junctional 7, with interstitial lung disease and nephrotic syndrome. Last evaluated: 2025-09-19. Review status: criteria provided, single submitter. Criteria: ACMG Guidelines, 2015. Collection method: clinical testing. Allele origin: germline. Affected: yes.
Comment: The variant is observed at an extremely low frequency in the gnomAD v4.1.0 dataset (total allele frequency: <0.001%). Predicted Consequence/Location: Missense variant. The majority of the known disease-causing variants of this gene are variants expected to result in premature termination of the protein. Damaging effect on gene or gene product predicted by in silico programs is uncertain [REVEL: 0.28 (damaging >=0.6, benign <0.4), 3Cnet: 0.45 (damaging >0.75, benign <0.1)]. The same nucleotide change resulting in the same amino acid change has been previously reported as pathogenic/likely pathogenic with strong evidence (ClinVar ID: VCV003358856 /PMID: 27717396). Therefore, this variant is classified as Likely pathogenic according to the recommendation of ACMG/AMP guideline.

First Genomix Gene Laboratory, Genetic Diagnostics Department
Classification: Likely pathogenic for Epidermolysis bullosa, junctional 7, with interstitial lung disease and nephrotic syndrome. Last evaluated: 2025-03-15. Review status: criteria provided, single submitter. Criteria: ACMG Guidelines, 2015. Collection method: clinical testing. Allele origin: germline. Inheritance: Autosomal recessive inheritance. Affected: no. Observed: 1 variant allele.

Genomic Medicine Center of Excellence, King Faisal Specialist Hospital and Research Centre
Classification: Likely pathogenic for Epidermolysis bullosa, junctional 7, with interstitial lung disease and nephrotic syndrome. Last evaluated: 2024-12-18. Review status: criteria provided, single submitter. Criteria: ACMG Guidelines, 2015. Collection method: clinical testing. Allele origin: germline.

Kasturba Medical College, Manipal, Kasturba Medical College, Manipal, Manipal Academy of Higher Education, Manipal, India
Classification: Likely pathogenic for Epidermolysis bullosa, junctional 7, with interstitial lung disease and nephrotic syndrome. Review status: criteria provided, single submitter. Criteria: ACMG Guidelines, 2015. Collection method: clinical testing. Allele origin: biparental. Inheritance: Autosomal recessive inheritance. Affected: yes. Observed: 1 homozygote.
Comment: In-silico tools (MutationTaster, CADD, and GERP) predict the variant to be damaging to the ITGA3 protein function. Bi-allelic variants in ITGA3 are associated with epidermolysis bullosa, junctional 7, with interstitial lung disease and nephrotic syndrome (MIM# 614748). However, both of them did not have any clinical manifestations of nephrotic syndrome (Colombo et al. 2016). Further, the variant c.821G>A in a homozygous state was previously reported in an individual with epidermolysis bullosa.

Literature cited by the submitters: PubMed 27717396 (cited by Department of Molecular Genetics, Istishari Arab Hospital and 3billion).